The following is an entry in ClinVar:

NM_001759.4(CCND2):c.755C>A (p.Ala252Glu)

Gene: CCND2 (cyclin D2; plus strand). Cytogenetic location: 12p13.32.
Variant type: single nucleotide variant.
Coding change: c.755C>A on transcript NM_001759.4 (MANE Select); coding-DNA position 755, C replaced by A.
Protein change: p.Ala252Glu; replaces alanine 252 with glutamic acid.
Molecular consequence: missense variant.
Genome position (GRCh38, 1-based): chr12:4,299,894, C>A. VCF-style: chr12-4299894-C-A. GRCh37 (hg19) VCF-style: chr12-4409060-C-A.
Other names: short protein forms A252E.
Identifiers: ClinVar variation 1387213 (VCV001387213.8), dbSNP rs781695497, ClinGen allele CA383413560.

ClinVar aggregate classification (germline): Uncertain significance (1 of 4 stars; one submission).

Submission:

Labcorp Genetics (formerly Invitae), Labcorp
Classification: Uncertain significance. Last evaluated: 2021-06-19. Review status: criteria provided, single submitter. Criteria: Invitae Variant Classification Sherloc (09022015). Collection method: clinical testing. Allele origin: germline.
Comment: Algorithms developed to predict the effect of missense changes on protein structure and function output the following: SIFT: "Tolerated"; PolyPhen-2: "Benign"; Align-GVGD: "Class C0". The glutamic acid amino acid residue is found in multiple mammalian species, suggesting that this missense change does not adversely affect protein function. These predictions have not been confirmed by published functional studies and their clinical significance is uncertain. In summary, the available evidence is currently insufficient to determine the role of this variant in disease. Therefore, it has been classified as a Variant of Uncertain Significance. This variant has not been reported in the literature in individuals with CCND2-related conditions. This variant is not present in population databases (ExAC no frequency). This sequence change replaces alanine with glutamic acid at codon 252 of the CCND2 protein (p.Ala252Glu). The alanine residue is moderately conserved and there is a moderate physicochemical difference between alanine and glutamic acid.